The following is an entry in ClinVar:

NM_152384.3(BBS5):c.790G>A (p.Gly264Arg)

Gene: BBS5 (Bardet-Biedl syndrome 5; plus strand). Cytogenetic location: 2q31.1.
Variant type: single nucleotide variant.
Coding change: c.790G>A on transcript NM_152384.3 (MANE Select); coding-DNA position 790, G replaced by A.
Protein change: p.Gly264Arg; replaces glycine 264 with arginine.
Molecular consequence: missense variant.
Genome position (GRCh38, 1-based): chr2:169,499,594, G>A. VCF-style: chr2-169499594-G-A. GRCh37 (hg19) VCF-style: chr2-170356104-G-A.
Other names: short protein forms G264R.
Identifiers: ClinVar variation 1403873 (VCV001403873.7), dbSNP rs2105301667, ClinGen allele CA349167474.
Genomic context (GRCh38, chr2:169,499,594, plus strand): 5'-CAAGAATCAGTTAAGGAAATCAATTCACTTCACAAAGTCTATTCTGCCAGTCCCATATTT[G>A]GAGTTGATTATGAGATGGAAGAAAAGGTAATTTGTTGAGTATGTGAAATAAAGTTTGCAT-3'
Protein context (NP_689597.1, residues 254-274): HKVYSASPIF[Gly264Arg]VDYEMEEKPQ

ClinVar aggregate classification (germline): Uncertain significance. Review status: criteria provided, multiple submitters, no conflicts (2 of 4 stars). 2 submissions from 2 submitters: Uncertain significance (2). Last evaluated 2024-02-24.

Conditions:
Bardet-Biedl syndrome (BBS). Identifiers: Orphanet 110, MedGen C0752166, MONDO:0015229.
Bardet-Biedl syndrome 5 (BBS5). Identifiers: Orphanet 110, MedGen C3892039, MONDO:0014434, OMIM 615983.

Submissions (2):

Labcorp Genetics (formerly Invitae), Labcorp
Classification: Uncertain significance for Bardet-Biedl syndrome. Last evaluated: 2024-02-24. Review status: criteria provided, single submitter. Criteria: Invitae Variant Classification Sherloc (09022015). Collection method: clinical testing. Allele origin: germline.
Comment: This sequence change replaces glycine, which is neutral and non-polar, with arginine, which is basic and polar, at codon 264 of the BBS5 protein (p.Gly264Arg). This variant is not present in population databases (gnomAD no frequency). This missense change has been observed in individuals with BBS5-related conditions (PMID: 26766544, 32531858, 37510321). ClinVar contains an entry for this variant (Variation ID: 1403873). Advanced modeling of protein sequence and biophysical properties (such as structural, functional, and spatial information, amino acid conservation, physicochemical variation, residue mobility, and thermodynamic stability) performed at Invitae indicates that this missense variant is expected to disrupt BBS5 protein function with a positive predictive value of 80%. In summary, the available evidence is currently insufficient to determine the role of this variant in disease. Therefore, it has been classified as a Variant of Uncertain Significance.

Fulgent Genetics
Classification: Uncertain significance for Bardet-Biedl syndrome 5. Last evaluated: 2024-01-08. Review status: criteria provided, single submitter. Criteria: ACMG Guidelines, 2015. Collection method: clinical testing. Allele origin: germline.

Literature cited by the submitters: PubMed 26766544 (cited by Labcorp Genetics (formerly Invitae), Labcorp); PubMed 32531858 (cited by Labcorp Genetics (formerly Invitae), Labcorp); PubMed 37510321 (cited by Labcorp Genetics (formerly Invitae), Labcorp).